The following is an entry in ClinVar:

ClinVar aggregate classification (germline): Pathogenic (1 of 4 stars; one submission).

Submission:

GeneDx
Classification: Pathogenic. Last evaluated: 2017-05-02. Review status: criteria provided, single submitter. Criteria: GeneDx Variant Classification (06012015). Collection method: clinical testing. Allele origin: germline. Affected: yes.
Comment: The W519X variant in the KDM5C gene has not been reported previously as a pathogenic variant nor as a benign variant, to our knowledge. This variant is predicted to cause loss of normal protein function either through protein truncation or nonsense-mediated mRNA decay. The W519X variant is not observed in large population cohorts (Lek et al., 2016; 1000 Genomes Consortium et al., 2015; Exome Variant Server). We interpret W519X as a pathogenic variant.

NM_004187.5(KDM5C):c.1557G>A (p.Trp519Ter)

Gene: KDM5C (lysine demethylase 5C; minus strand). Cytogenetic location: Xp11.22.
Variant type: single nucleotide variant.
Coding change: c.1557G>A on transcript NM_004187.5 (MANE Select); coding-DNA position 1557, G replaced by A.
Protein change: p.Trp519Ter; replaces tryptophan 519 with a stop codon.
Molecular consequence: nonsense. On other transcripts: non-coding transcript variant (3).
Genome position (GRCh38, 1-based): chrX:53,210,702, C>T on the plus strand (G>A on the coding strand, the complement: KDM5C is on the minus strand). VCF-style: chrX-53210702-C-T. GRCh37 (hg19) VCF-style: chrX-53239884-C-T.
Other names: c.1356G>A, p.Trp452Ter (NM_001146702.2); c.1554G>A, p.Trp518Ter (NM_001282622.3, NM_001353979.2, NM_001353982.2); c.1557G>A, p.Trp519Ter (NM_001353978.3, NM_001353981.2, NM_001353984.2); short protein forms W519*, W518*, W452*.
Identifiers: ClinVar variation 426131 (VCV000426131.2), dbSNP rs1085307462, ClinGen allele CA413128285.